The following is an entry in ClinVar:

ClinVar aggregate classification (germline): Uncertain significance (1 of 4 stars; one submission).

Conditions:
Familial cancer of breast. Also called: BREAST CANCER, FAMILIAL; Hereditary breast cancer; hereditary breast carcinoma. Identifiers: Orphanet 227535, MedGen C0346153, MONDO:0016419, OMIM 114480. Disease mechanism: loss of function.

Submission:

Labcorp Genetics (formerly Invitae), Labcorp
Classification: Uncertain significance for Familial cancer of breast. Last evaluated: 2025-11-14. Review status: criteria provided, single submitter. Criteria: Invitae Variant Classification Sherloc (09022015). Collection method: clinical testing. Allele origin: germline.
Comment: This sequence change replaces proline, which is neutral and non-polar, with leucine, which is neutral and non-polar, at codon 1112 of the PALB2 protein (p.Pro1112Leu). This variant is not present in population databases (gnomAD no frequency). This variant has not been reported in the literature in individuals affected with PALB2-related conditions. An algorithm developed to predict the effect of missense changes on protein structure and function (PolyPhen-2) suggests that this variant is likely to be tolerated. Algorithms developed to predict the effect of sequence changes on RNA splicing suggest that this variant may disrupt the consensus splice site. In summary, the available evidence is currently insufficient to determine the role of this variant in disease. Therefore, it has been classified as a Variant of Uncertain Significance.

NM_024675.4(PALB2):c.3335C>T (p.Pro1112Leu)

Gene: PALB2 (partner and localizer of BRCA2; minus strand). Cytogenetic location: 16p12.2.
Variant type: single nucleotide variant.
Coding change: c.3335C>T on transcript NM_024675.4 (MANE Select); coding-DNA position 3335, C replaced by T.
Protein change: p.Pro1112Leu; replaces proline 1112 with leucine.
Molecular consequence: missense variant. On other transcripts: intron variant (8).
Genome position (GRCh38, 1-based): chr16:23,607,879, G>A on the plus strand (C>T on the coding strand, the complement: PALB2 is on the minus strand). VCF-style: chr16-23607879-G-A. GRCh37 (hg19) VCF-style: chr16-23619200-G-A.
Other names: c.3275C>T, p.Pro1092Leu (NM_001407296.1); c.3263C>T, p.Pro1088Leu (NM_001407297.1); c.3173C>T, p.Pro1058Leu (NM_001407298.1); c.3056C>T, p.Pro1019Leu (NM_001407300.1); c.2450C>T, p.Pro817Leu (NM_001407304.1, NM_001407305.1, NM_001407306.1); c.2288C>T, p.Pro763Leu (NM_001407307.1); c.1547C>T, p.Pro516Leu (NM_001407312.1); c.869C>T, p.Pro290Leu (NM_001407314.1); and 6 more; short protein forms P1019L, P1058L, P1088L, P1092L, P1112L, P290L, P516L, P763L.
Identifiers: ClinVar variation 4810358 (VCV004810358.1).